The following is an entry in ClinVar:

NM_020949.3(SLC7A14):c.455G>T (p.Ser152Ile)

Genes: SLC7A14 (solute carrier family 7 member 14; minus strand), SLC7A14-AS1 (SLC7A14 antisense RNA 1; plus strand). Cytogenetic location: 3q26.2.
Variant type: single nucleotide variant.
Coding change: c.455G>T on transcript NM_020949.3 (MANE Select); coding-DNA position 455, G replaced by T.
Protein change: p.Ser152Ile; replaces serine 152 with isoleucine.
Molecular consequence: missense variant.
Genome position (GRCh38, 1-based): chr3:170,501,195, C>A on the plus strand (G>T on the coding strand, the complement: SLC7A14 is on the minus strand). VCF-style: chr3-170501195-C-A. GRCh37 (hg19) VCF-style: chr3-170218984-C-A.
Other names: short protein forms S152I.
Identifiers: ClinVar variation 939264 (VCV000939264.9), dbSNP rs1712597568, ClinGen allele CA355517095.

ClinVar aggregate classification (germline): Uncertain significance (1 of 4 stars; one submission).

Submission:

Labcorp Genetics (formerly Invitae), Labcorp
Classification: Uncertain significance. Last evaluated: 2019-08-27. Review status: criteria provided, single submitter. Criteria: Invitae Variant Classification Sherloc (09022015). Collection method: clinical testing. Allele origin: germline.
Comment: This variant is not present in population databases (ExAC no frequency). This sequence change replaces serine with isoleucine at codon 152 of the SLC7A14 protein (p.Ser152Ile). The serine residue is moderately conserved and there is a large physicochemical difference between serine and isoleucine. This variant has not been reported in the literature in individuals with SLC7A14-related conditions. Algorithms developed to predict the effect of missense changes on protein structure and function are either unavailable or do not agree on the potential impact of this missense change (SIFT: "Tolerated"; PolyPhen-2: "Possibly Damaging"; Align-GVGD: "Class C0"). In summary, the available evidence is currently insufficient to determine the role of this variant in disease. Therefore, it has been classified as a Variant of Uncertain Significance.